The following is an entry in ClinVar:

NM_001370.2(DNAH6):c.11258G>A (p.Gly3753Asp)

Gene: DNAH6 (dynein axonemal heavy chain 6; plus strand). Cytogenetic location: 2p11.2.
Variant type: single nucleotide variant.
Coding change: c.11258G>A on transcript NM_001370.2 (MANE Select); coding-DNA position 11258, G replaced by A.
Protein change: p.Gly3753Asp; replaces glycine 3753 with aspartic acid.
Molecular consequence: missense variant.
Genome position (GRCh38, 1-based): chr2:84,796,324, G>A. VCF-style: chr2-84796324-G-A. GRCh37 (hg19) VCF-style: chr2-85023448-G-A.
Other names: short protein forms G3753D.
Identifiers: ClinVar variation 870125 (VCV000870125.3), dbSNP rs1678342034, ClinGen allele CA347527899.
Genomic context (GRCh38, chr2:84,796,324, plus strand): 5'-TTTAAAAACAGCAATAATTTCAAAATACAAATTTCTTTTCAGGTGAAATTACTTATGGTG[G>A]TAGAGTCACAGACAGCTGGGACCAAAGATGCCTTCGTACTATCTTGAAAAGATTTTTTTC-3'
Protein context (NP_001361.1, residues 3743-3763): IYITGEITYG[Gly3753Asp]RVTDSWDQRC

ClinVar aggregate classification (germline): Uncertain significance (1 of 4 stars; one submission).

Conditions:
Abnormal spermatogenesis. Identifiers: MedGen C0520933, HP:0008669.

Allele frequency attached by ClinVar (database versions not stated): gnomAD exomes below 0.00001.

Submission:

Institute of Reproductive and Stem Cell Engineering, Central South University
Classification: Uncertain significance for Abnormal spermatogenesis. Last evaluated: 2019-11-01. Review status: criteria provided, single submitter. Criteria: Tu et al. (Sci Rep. 2019). Collection method: research. Allele origin: germline. Inheritance: Autosomal recessive inheritance. Affected: yes. Observed: 2 variant alleles, 2 compound heterozygotes. Clinical features observed: multiple morphological abnormalities of the sperm fagella.
Comment: Papanicolaou staining and transmission electron microscopy analysis revealed morphological and ultrastructural abnormalities in the sperm fagella in carriers of these genetic variants. Immunostaining experiments showed that DNAH6 was localized in the sperm tail.